The following is an entry in ClinVar:

NM_004820.5(CYP7B1):c.1403del (p.Thr468fs)

Gene: CYP7B1 (cytochrome P450 family 7 subfamily B member 1; minus strand). Cytogenetic location: 8q12.3.
Variant type: Deletion.
Coding change: c.1403del on transcript NM_004820.5 (MANE Select); coding-DNA position 1403, one base deleted (C; older notation c.1403delC).
Protein change: p.Thr468fs; shifts the reading frame from threonine 468.
Molecular consequence: frameshift variant. On other transcripts: intron variant (1).
Genome position (GRCh38, 1-based): chr8:64,596,760, G deleted on the plus strand (C on the coding strand, the reverse complement: CYP7B1 is on the minus strand). VCF-style (leftmost placement, unchanged base first): chr8-64596759-AG-A. GRCh37 (hg19) VCF-style: chr8-65509316-AG-A.
Other names: c.1234-6916del (NM_001324112.2); short protein forms T468fs.
Identifiers: ClinVar variation 2915441 (VCV002915441.3), dbSNP rs1256997395, ClinGen allele CA854260594.

ClinVar aggregate classification (germline): Pathogenic (1 of 4 stars; one submission).

Conditions:
Spastic paraplegia. Identifiers: MedGen C0037772, HP:0001258.

Allele frequency attached by ClinVar (database versions not stated): gnomAD exomes below 0.00001.

Submission:

Labcorp Genetics (formerly Invitae), Labcorp
Classification: Pathogenic for Spastic paraplegia. Last evaluated: 2024-01-31. Review status: criteria provided, single submitter. Criteria: Invitae Variant Classification Sherloc (09022015). Collection method: clinical testing. Allele origin: germline.
Comment: This sequence change creates a premature translational stop signal (p.Thr468Ilefs*5) in the CYP7B1 gene. While this is not anticipated to result in nonsense mediated decay, it is expected to disrupt the last 39 amino acid(s) of the CYP7B1 protein. This variant is not present in population databases (gnomAD no frequency). This premature translational stop signal has been observed in individual(s) with progressive cholestatic hepatitis and severe hepatic fibrosis (PMID: 30546280). This variant disrupts a region of the CYP7B1 protein in which other variant(s) (p.Arg486Cys) have been determined to be pathogenic (PMID: 19439420, 21623769, 23812641, 24117163). This suggests that this is a clinically significant region of the protein, and that variants that disrupt it are likely to be disease-causing. For these reasons, this variant has been classified as Pathogenic.

Literature cited by the submitters: PubMed 30546280; PubMed 19439420; PubMed 21623769; PubMed 23812641; PubMed 24117163.